The following is an entry in ClinVar:

NM_004656.4(BAP1):c.1934A>G (p.Asn645Ser)

Gene: BAP1 (BRCA1 associated deubiquitinase 1; minus strand). Cytogenetic location: 3p21.1.
Variant type: single nucleotide variant.
Coding change: c.1934A>G on transcript NM_004656.4 (MANE Select); coding-DNA position 1934, A replaced by G.
Protein change: p.Asn645Ser; replaces asparagine 645 with serine.
Molecular consequence: missense variant.
Genome position (GRCh38, 1-based): chr3:52,402,828, T>C on the plus strand (A>G on the coding strand, the complement: BAP1 is on the minus strand). VCF-style: chr3-52402828-T-C. GRCh37 (hg19) VCF-style: chr3-52436844-T-C.
Other names: c.1880A>G, p.Asn627Ser (NM_001410772.1); short protein forms N645S, N627S.
Identifiers: ClinVar variation 3260366 (VCV003260366.2).

ClinVar aggregate classification (germline): Conflicting classifications of pathogenicity. Review status: criteria provided, conflicting classifications (1 of 4 stars). 2 submissions from 2 submitters: Uncertain significance (1); Likely benign (1). Last evaluated 2025-06-29.

Conditions:
Hereditary cancer-predisposing syndrome. Also called: Hereditary Cancer Syndrome; Tumor predisposition; Hereditary neoplastic syndrome; Neoplastic Syndromes, Hereditary. Identifiers: Orphanet 140162, MedGen C0027672, MeSH D009386, MONDO:0015356.
BAP1-related tumor predisposition syndrome (TPDS1). Also called: Tumor susceptibility linked to germline BAP1 mutations; BAP1 tumor predisposition syndrome; COMMON Syndrome; TUMOR PREDISPOSITION SYNDROME 1. Identifiers: Orphanet 289539, MedGen C3280492, MONDO:0013692, OMIM 614327.

Submissions (2):

Labcorp Genetics (formerly Invitae), Labcorp
Classification: Uncertain significance for BAP1-related tumor predisposition syndrome. Last evaluated: 2025-06-29. Review status: criteria provided, single submitter. Criteria: Invitae Variant Classification Sherloc (09022015). Collection method: clinical testing. Allele origin: germline.
Comment: This sequence change replaces asparagine, which is neutral and polar, with serine, which is neutral and polar, at codon 645 of the BAP1 protein (p.Asn645Ser). This variant is not present in population databases (gnomAD no frequency). This variant has not been reported in the literature in individuals affected with BAP1-related conditions. ClinVar contains an entry for this variant (Variation ID: 3260366). Invitae Evidence Modeling of protein sequence and biophysical properties (such as structural, functional, and spatial information, amino acid conservation, physicochemical variation, residue mobility, and thermodynamic stability) indicates that this missense variant is not expected to disrupt BAP1 protein function with a negative predictive value of 80%. In summary, the available evidence is currently insufficient to determine the role of this variant in disease. Therefore, it has been classified as a Variant of Uncertain Significance.

Ambry Genetics
Classification: Likely benign for Hereditary cancer-predisposing syndrome. Last evaluated: 2024-03-22. Review status: criteria provided, single submitter. Criteria: Ambry Variant Classification Scheme 2023. Collection method: clinical testing. Allele origin: germline.